The following is an entry in ClinVar:

NM_020824.4(ARHGAP21):c.2310C>T (p.Thr770=)

Gene: ARHGAP21 (Rho GTPase activating protein 21; minus strand). Cytogenetic location: 10p12.1.
Variant type: single nucleotide variant.
Coding change: c.2310C>T on transcript NM_020824.4 (MANE Select); coding-DNA position 2310, C replaced by T.
Protein change: p.Thr770=; no amino-acid change (threonine 770 retained).
Molecular consequence: synonymous variant. On other transcripts: non-coding transcript variant (5).
Genome position (GRCh38, 1-based): chr10:24,619,585, G>A on the plus strand (C>T on the coding strand, the complement: ARHGAP21 is on the minus strand). VCF-style: chr10-24619585-G-A. GRCh37 (hg19) VCF-style: chr10-24908514-G-A.
Other names: c.2280C>T, p.Thr760= (NM_001367447.1, NM_001367451.1, NM_001367453.1); c.2310C>T, p.Thr770= (NM_001367448.1, NM_001367454.1); c.2016C>T, p.Thr672= (NM_001367449.1, NM_001367450.1); c.1839C>T, p.Thr613= (NM_001367452.1); c.1671C>T, p.Thr557= (NM_001367455.1).
Identifiers: ClinVar variation 2640355 (VCV002640355.24), dbSNP rs367801923, ClinGen allele CA5441660.

ClinVar aggregate classification (germline): Likely benign (1 of 4 stars; one submission).

Allele frequency attached by ClinVar (database versions not stated): gnomAD exomes below 0.00001; ExAC 0.00002; gnomAD 0.00005; ESP Exome Variant Server 0.00008; TOPMed 0.00009.
gnomAD v4.1: 22 of 1,614,072 alleles (0.0014%); highest among the groups gnomAD compares: Admixed American, 0.017%; no homozygotes.

Submission:

CeGaT Center for Human Genetics Tuebingen
Classification: Likely benign. Last evaluated: 2022-12-01. Review status: criteria provided, single submitter. Criteria: CeGaT Center For Human Genetics Tuebingen Variant Classification Criteria Version 2. Collection method: clinical testing. Allele origin: germline. Affected: yes. Observed: 1 variant allele.
Comment: ARHGAP21: BP4, BP7